The following is an entry in ClinVar:

NM_000817.3(GAD1):c.896C>T (p.Ala299Val)

Gene: GAD1 (glutamate decarboxylase 1; plus strand). Cytogenetic location: 2q31.1.
Variant type: single nucleotide variant.
Coding change: c.896C>T on transcript NM_000817.3 (MANE Select); coding-DNA position 896, C replaced by T.
Protein change: p.Ala299Val; replaces alanine 299 with valine.
Molecular consequence: missense variant.
Genome position (GRCh38, 1-based): chr2:170,845,734, C>T. VCF-style: chr2-170845734-C-T. GRCh37 (hg19) VCF-style: chr2-171702244-C-T.
Other names: c.896C>T (NM_000817.2); short protein forms A299V.
Identifiers: ClinVar variation 1439679 (VCV001439679.9), dbSNP rs762950875, ClinGen allele CA1962773.

ClinVar aggregate classification (germline): Uncertain significance. Review status: criteria provided, multiple submitters, no conflicts (2 of 4 stars). 2 submissions from 2 submitters: Uncertain significance (2). Last evaluated 2025-05-25.

Conditions:
Neurodevelopmental disorder with progressive spasticity and brain white matter abnormalities. Also called: CEREBRAL PALSY, SPASTIC QUADRIPLEGIC, 1. Identifiers: Orphanet 210141, Orphanet 641353, MedGen C5436628, MONDO:0033613, OMIM 619026.
Inborn genetic diseases. Identifiers: MedGen C0950123, MeSH D030342.

Allele frequency attached by ClinVar (database versions not stated): ExAC 0.00001; gnomAD exomes 0.00001 and 0.00002; TOPMed 0.00001.
gnomAD v4.1: 5 of 1,614,156 alleles (0.00031%); highest among the groups gnomAD compares: Admixed American, 0.005%; no homozygotes.

Submissions (2):

Ambry Genetics
Classification: Uncertain significance for Inborn genetic diseases. Last evaluated: 2025-05-25. Review status: criteria provided, single submitter. Criteria: Ambry Variant Classification Scheme 2023. Collection method: clinical testing. Allele origin: germline.

Labcorp Genetics (formerly Invitae), Labcorp
Classification: Uncertain significance for Neurodevelopmental disorder with progressive spasticity and brain white matter abnormalities. Last evaluated: 2021-04-09. Review status: criteria provided, single submitter. Criteria: Invitae Variant Classification Sherloc (09022015). Collection method: clinical testing. Allele origin: germline.
Comment: This sequence change replaces alanine with valine at codon 299 of the GAD1 protein (p.Ala299Val). The alanine residue is highly conserved and there is a small physicochemical difference between alanine and valine. Algorithms developed to predict the effect of missense changes on protein structure and function (SIFT, PolyPhen-2, Align-GVGD) all suggest that this variant is likely to be disruptive, but these predictions have not been confirmed by published functional studies and their clinical significance is uncertain. This variant has not been reported in the literature in individuals with GAD1-related conditions. This variant is present in population databases (rs762950875, ExAC 0.009%). In summary, the available evidence is currently insufficient to determine the role of this variant in disease. Therefore, it has been classified as a Variant of Uncertain Significance.